The following is an entry in ClinVar:

NM_000263.4(NAGLU):c.1453dup (p.Val485fs)

Gene: NAGLU (N-acetyl-alpha-glucosaminidase; plus strand). Cytogenetic location: 17q21.2.
Variant type: Duplication.
Coding change: c.1453dup on transcript NM_000263.4 (MANE Select); coding-DNA position 1453, one base duplicated (G; older notation c.1453dupG).
Protein change: p.Val485fs; shifts the reading frame from valine 485.
Molecular consequence: frameshift variant.
Genome position (GRCh38, 1-based): chr17:42,543,459, G duplicated; the last of 4 consecutive G bases (chr17:42,543,456-42,543,459); duplicating any one gives the same sequence. VCF-style (leftmost placement, unchanged base first): chr17-42543455-T-TG. GRCh37 (hg19) VCF-style: chr17-40695473-T-TG.
Other names: short protein forms V485fs.
Identifiers: ClinVar variation 1068849 (VCV001068849.9), dbSNP rs749338526, ClinGen allele CA8577025.

ClinVar aggregate classification (germline): Pathogenic (1 of 4 stars; one submission).

Conditions:
Charcot-Marie-Tooth disease axonal type 2V. Also called: CHARCOT-MARIE-TOOTH NEUROPATHY, TYPE 2V; CHARCOT-MARIE-TOOTH DISEASE, AXONAL, AUTOSOMAL DOMINANT, TYPE 2V. Identifiers: Orphanet 447964, MedGen C5569050, MONDO:0014665, OMIM 616491.
Mucopolysaccharidosis, MPS-III-B (MPS3B). Also called: MPS III B; Mucopolysaccharidosis type IIIB (Sanfilippo B); N-ACETYL-ALPHA-D-GLUCOSAMINIDASE DEFICIENCY; NAGLU DEFICIENCY; SANFILIPPO SYNDROME B; MUCOPOLYSACCHARIDOSIS, TYPE IIIB. Identifiers: Orphanet 79270, MedGen C0086648, MONDO:0009656, OMIM 252920.

Submission:

Labcorp Genetics (formerly Invitae), Labcorp
Classification: Pathogenic for Charcot-Marie-Tooth disease axonal type 2V; Mucopolysaccharidosis, MPS-III-B. Last evaluated: 2020-08-20. Review status: criteria provided, single submitter. Criteria: Invitae Variant Classification Sherloc (09022015). Collection method: clinical testing. Allele origin: germline.
Comment: For these reasons, this variant has been classified as Pathogenic. This variant disrupts the C-terminus of the NAGLU protein. Other variant(s) that disrupt this region (p.Gln706*) have been determined to be pathogenic (PMID: 9443875). This suggests that variants that disrupt this region of the protein are likely to be causative of disease. This variant has not been reported in the literature in individuals with NAGLU-related conditions. This variant is present in population databases (rs749338526, ExAC 0.002%). This sequence change results in a premature translational stop signal in the NAGLU gene (p.Val485Glyfs*31). While this is not anticipated to result in nonsense mediated decay, it is expected to disrupt the last 259 amino acids of the NAGLU protein.

Literature cited by the submitters: PubMed 9443875.